The following is an entry in ClinVar:

NM_001166108.2(PALLD):c.2569G>A (p.Ala857Thr)

Genes: CBR4 (carbonyl reductase 4; minus strand), PALLD (palladin, cytoskeletal associated protein; plus strand). Cytogenetic location: 4q32.3.
Variant type: single nucleotide variant.
Coding change: c.2569G>A on transcript NM_001166108.2 (MANE Select); coding-DNA position 2569, G replaced by A.
Protein change: p.Ala857Thr; replaces alanine 857 with threonine.
Molecular consequence: missense variant.
Genome position (GRCh38, 1-based): chr4:168,903,853, G>A. VCF-style: chr4-168903853-G-A. GRCh37 (hg19) VCF-style: chr4-169825004-G-A.
Other names: c.1372G>A, p.Ala458Thr (NM_001166109.2); c.1057G>A, p.Ala353Thr (NM_001166110.2); c.397G>A, p.Ala133Thr (NM_001367567.1, NM_001367569.1); c.448G>A, p.Ala150Thr (NM_001367568.1, NM_001367570.1); c.2518G>A, p.Ala840Thr (NM_016081.4); short protein forms A150T, A353T, A133T, A857T, A458T, A840T.
Identifiers: ClinVar variation 1792490 (VCV001792490.2), dbSNP rs1582041913, ClinGen allele CA358799445.

ClinVar aggregate classification (germline): Uncertain significance (1 of 4 stars; one submission).

Submission:

Ambry Genetics
Classification: Uncertain significance. Last evaluated: 2021-12-20. Review status: criteria provided, single submitter. Criteria: Ambry Variant Classification Scheme 2023. Collection method: clinical testing. Allele origin: germline.
Comment: The p.A840T variant (also known as c.2518G>A), located in coding exon 13 of the PALLD gene, results from a G to A substitution at nucleotide position 2518. The alanine at codon 840 is replaced by threonine, an amino acid with similar properties. This amino acid position is conserved. In addition, this alteration is predicted to be tolerated by in silico analysis. Since supporting evidence is limited at this time, the clinical significance of this alteration remains unclear.